The following is an entry in ClinVar:

NM_000548.5(TSC2):c.1522G>C (p.Ala508Pro)

Gene: TSC2 (TSC complex subunit 2; plus strand). Cytogenetic location: 16p13.3.
Variant type: single nucleotide variant.
Coding change: c.1522G>C on transcript NM_000548.5 (MANE Select); coding-DNA position 1522, G replaced by C.
Protein change: p.Ala508Pro; replaces alanine 508 with proline.
Molecular consequence: missense variant. On other transcripts: 5 prime UTR variant (1), non-coding transcript variant (5).
Genome position (GRCh38, 1-based): chr16:2,064,350, G>C. VCF-style: chr16-2064350-G-C. GRCh37 (hg19) VCF-style: chr16-2114351-G-C.
Other names: c.1522G>C, p.Ala508Pro (NM_001077183.3, NM_001114382.3, NM_001363528.2 and 6 more transcripts); c.1411G>C, p.Ala471Pro (NM_001318827.2, NM_001406670.1, NM_001406678.1); c.1375G>C, p.Ala459Pro (NM_001318829.2, NM_001406675.1, NM_001406676.1 and 1 more transcripts); c.922G>C, p.Ala308Pro (NM_001318831.2, NM_001406683.1, NM_001406684.1 and 6 more transcripts); c.1555G>C, p.Ala519Pro (NM_001318832.2); c.1612G>C, p.Ala538Pro (NM_001406667.1, NM_001406668.1); c.178G>C, p.Ala60Pro (NM_001406689.1, NM_001406690.1, NM_001406691.1 and 6 more transcripts); c.-81G>C (NM_001406698.1); and 3 more; short protein forms A308P, A459P, A489P, A504P, A508P, A60P, A519P, A538P.
Identifiers: ClinVar variation 2706252 (VCV002706252.3), dbSNP rs2087020192, ClinGen allele CA394326234.

ClinVar aggregate classification (germline): Uncertain significance (1 of 4 stars; one submission).

Conditions:
Tuberous sclerosis 2 (TSC2). Identifiers: Orphanet 805, MedGen C1860707, MONDO:0013199, OMIM 613254.

Submission:

Labcorp Genetics (formerly Invitae), Labcorp
Classification: Uncertain significance for Tuberous sclerosis 2. Last evaluated: 2023-12-29. Review status: criteria provided, single submitter. Criteria: Invitae Variant Classification Sherloc (09022015). Collection method: clinical testing. Allele origin: germline.
Comment: This sequence change replaces alanine, which is neutral and non-polar, with proline, which is neutral and non-polar, at codon 508 of the TSC2 protein (p.Ala508Pro). This variant is not present in population databases (gnomAD no frequency). This missense change has been observed in individual(s) with tuberous sclerosis complex (Invitae). Advanced modeling of protein sequence and biophysical properties (such as structural, functional, and spatial information, amino acid conservation, physicochemical variation, residue mobility, and thermodynamic stability) performed at Invitae indicates that this missense variant is not expected to disrupt TSC2 protein function with a negative predictive value of 95%. In summary, the available evidence is currently insufficient to determine the role of this variant in disease. Therefore, it has been classified as a Variant of Uncertain Significance.